The following is an entry in ClinVar:

ClinVar aggregate classification (germline): Uncertain significance (1 of 4 stars; one submission).

Conditions:
Gastrointestinal stromal tumor. Also called: Gastrointestinal stroma tumor; Gastrointestinal stromal tumor, somatic. Identifiers: Orphanet 44890, MedGen C0238198, MeSH D046152, MONDO:0011719, OMIM 606764, HP:0100723.

Submission:

Labcorp Genetics (formerly Invitae), Labcorp
Classification: Uncertain significance for Gastrointestinal stromal tumor. Last evaluated: 2024-01-28. Review status: criteria provided, single submitter. Criteria: Invitae Variant Classification Sherloc (09022015). Collection method: clinical testing. Allele origin: germline.
Comment: This sequence change falls in intron 14 of the PDGFRA gene. It does not directly change the encoded amino acid sequence of the PDGFRA protein. It affects a nucleotide within the consensus splice site. This variant is not present in population databases (gnomAD no frequency). This variant has not been reported in the literature in individuals affected with PDGFRA-related conditions. ClinVar contains an entry for this variant (Variation ID: 1467630). Variants that disrupt the consensus splice site are a relatively common cause of aberrant splicing (PMID: 17576681, 9536098). Algorithms developed to predict the effect of sequence changes on RNA splicing suggest that this variant is not likely to affect RNA splicing. In summary, the available evidence is currently insufficient to determine the role of this variant in disease. Therefore, it has been classified as a Variant of Uncertain Significance.

Literature cited by the submitters: PubMed 17576681; PubMed 9536098.

NM_006206.6(PDGFRA):c.2002+6C>A

Gene: PDGFRA (platelet derived growth factor receptor alpha; plus strand). Cytogenetic location: 4q12.
Variant type: single nucleotide variant.
Coding change: c.2002+6C>A on transcript NM_006206.6 (MANE Select); 6 bases into the intron after coding-DNA position 2002, C replaced by A.
Molecular consequence: intron variant.
Genome position (GRCh38, 1-based): chr4:54,278,012, C>A. VCF-style: chr4-54278012-C-A. GRCh37 (hg19) VCF-style: chr4-55144179-C-A.
Other names: c.2077+6C>A (NM_001347828.2); c.2002+6C>A (NM_001347827.2, NM_001347829.2); c.2041+6C>A (NM_001347830.2).
Identifiers: ClinVar variation 1467630 (VCV001467630.6), dbSNP rs1333764312, ClinGen allele CA2573137792.